The following is an entry in ClinVar:

ClinVar aggregate classification (germline): Uncertain significance. Review status: criteria provided, multiple submitters, no conflicts (2 of 4 stars). 2 submissions from 2 submitters: Uncertain significance (2). Last evaluated 2022-06-27.

Submissions (2):

Labcorp Genetics (formerly Invitae), Labcorp
Classification: Uncertain significance. Last evaluated: 2022-06-27. Review status: criteria provided, single submitter. Criteria: Invitae Variant Classification Sherloc (09022015). Collection method: clinical testing. Allele origin: germline.
Comment: This sequence change falls in intron 29 of the PCDH15 gene. It does not directly change the encoded amino acid sequence of the PCDH15 protein. It affects a nucleotide within the consensus splice site. This variant is present in population databases (no rsID available, gnomAD no frequency). This variant has not been reported in the literature in individuals affected with PCDH15-related conditions. Variants that disrupt the consensus splice site are a relatively common cause of aberrant splicing (PMID: 17576681, 9536098). Algorithms developed to predict the effect of sequence changes on RNA splicing suggest that this variant may disrupt the consensus splice site. In summary, the available evidence is currently insufficient to determine the role of this variant in disease. Therefore, it has been classified as a Variant of Uncertain Significance.

Blueprint Genetics
Classification: Uncertain significance. Last evaluated: 2021-12-01. Review status: criteria provided, single submitter. Criteria: ACMG Guidelines, 2015. Collection method: clinical testing. Allele origin: germline.

Literature cited by the submitters: PubMed 17576681 (cited by Labcorp Genetics (formerly Invitae), Labcorp); PubMed 9536098 (cited by Labcorp Genetics (formerly Invitae), Labcorp).

NM_001384140.1(PCDH15):c.3983+3_3983+6del

Gene: PCDH15 (protocadherin related 15; minus strand). Cytogenetic location: 10q21.1.
Variant type: Microsatellite.
Coding change: c.3983+3_3983+6del on transcript NM_001384140.1 (MANE Select); bases 3 to 6 of the intron after coding-DNA position 3983, 4 bases deleted (AAGT; older notation c.3983+3_3983+6delAAGT).
Molecular consequence: splice donor variant.
Genome position (GRCh38, 1-based): chr10:53,840,314-53,840,317, ACTT deleted on the plus strand (AAGT on the coding strand, the reverse complement: PCDH15 is on the minus strand); deleting any 4 consecutive bases within chr10:53,840,314-53,840,322 gives the same sequence; the c. name uses the placement nearest the transcript's 3' end. VCF-style (leftmost placement, unchanged base first): chr10-53840313-CACTT-C. GRCh37 (hg19) VCF-style: chr10-55600073-CACTT-C.
Other names: c.3983+3_3983+6del (NM_001354420.2, NM_001354429.2, NM_001142772.2 and 4 more transcripts); c.3998+3_3998+6del (NM_001142771.2, NM_001142763.2); c.4004+3_4004+6del (NM_001354411.2); c.4019+3_4019+6del (NM_001142769.3); c.3917+3_3917+6del (NM_001354404.2, NM_001142773.2, NM_001142768.2); c.3872+3_3872+6del (NM_001142767.2); c.3770+3_3770+6del (NM_001142765.2).
Identifiers: ClinVar variation 1466383 (VCV001466383.4), ClinGen allele CA593783111.
Genomic context (GRCh38, chr10:53,840,313, plus strand): 5'-CAAGTCAGAATCATCTATGGTTGCTATTGTAACCAAAGAGCTGTTACAGATAACAAAAAG[CACTT>C]ACTTAAAAAGCTCATTTCTATCGATGGCTCTGTTGGTTTGGGGGTCAATTGCATAGACAG-3'